The following is an entry in ClinVar:

ClinVar aggregate classification (germline): Pathogenic (1 of 4 stars; one submission).

Conditions:
Hereditary breast ovarian cancer syndrome. Also called: Hereditary breast and/or ovarian cancer syndrome; Hereditary breast and ovarian cancer syndrome; Hereditary breast and ovarian cancer; Hereditary breast and ovarian cancer syndrome (HBOC); Breast and ovarian cancer; BRCA1- and BRCA2-Associated Hereditary Breast and Ovarian Cancer. Identifiers: Orphanet 145, MedGen C0677776, MeSH D061325, MONDO:0003582. Disease mechanism: loss of function.

Submission:

Labcorp Genetics (formerly Invitae), Labcorp
Classification: Pathogenic for Hereditary breast ovarian cancer syndrome. Last evaluated: 2022-02-18. Review status: criteria provided, single submitter. Criteria: Invitae Variant Classification Sherloc (09022015). Collection method: clinical testing. Allele origin: germline.
Comment: This variant has not been reported in the literature in individuals affected with BRCA2-related conditions. For these reasons, this variant has been classified as Pathogenic. ClinVar contains an entry for this variant (Variation ID: 940874). This variant is not present in population databases (gnomAD no frequency). This sequence change creates a premature translational stop signal (p.Asp1243Glufs*15) in the BRCA2 gene. It is expected to result in an absent or disrupted protein product. Loss-of-function variants in BRCA2 are known to be pathogenic (PMID: 20104584).

Literature cited by the submitters: PubMed 20104584.

NM_000059.4(BRCA2):c.3729_3732del (p.Asp1243fs)

Gene: BRCA2 (BRCA2 DNA repair associated; plus strand). Cytogenetic location: 13q13.1.
Variant type: Deletion.
Coding change: c.3729_3732del on transcript NM_000059.4 (MANE Select); coding-DNA positions 3729 to 3732, 4 bases deleted (TATT; older notation c.3729_3732delTATT).
Protein change: p.Asp1243fs; shifts the reading frame from aspartic acid 1243.
Molecular consequence: frameshift variant.
Genome position (GRCh38, 1-based): chr13:32,338,084-32,338,087, TATT deleted. VCF-style (leftmost placement, unchanged base first): chr13-32338083-ATATT-A. GRCh37 (hg19) VCF-style: chr13-32912220-ATATT-A.
Other names: short protein forms D1243fs.
Identifiers: ClinVar variation 940874 (VCV000940874.8), dbSNP rs2072487346, ClinGen allele CA1139663162.
Genomic context (GRCh38, chr13:32,338,083, plus strand): 5'-ATGGCACAAAACTGAATGTTTCTACTGAAGCTCTGCAAAAAGCTGTGAAACTGTTTAGTG[ATATT>A]GAGAATATTAGTGAGGAAACTTCTGCAGAGGTACATCCAATAAGTTTATCTTCAAGTAAA-3'